The following is an entry in ClinVar:

ClinVar aggregate classification (germline): Uncertain significance (1 of 4 stars; one submission).

Submission:

Laboratory for Molecular Medicine, Mass General Brigham Personalized Medicine
Classification: Uncertain significance. Last evaluated: 2018-08-07. Review status: criteria provided, single submitter. Criteria: LMM Criteria. Collection method: clinical testing. Allele origin: germline. Observed: 1 variant allele.
Comment: The p.Asp1414Tyr variant in LOXHD1 has not been previously reported in individua ls with hearing loss and was absent from large population studies. Computational prediction tools and conservation analysis suggest that the p.Asp1414Tyr varian t may impact the protein, though this information is not predictive enough to de termine pathogenicity. In summary, the clinical significance of the p.Asp1414Tyr variant is uncertain. ACMG/AMP Criteria applied: PP3, PM2.

NM_001384474.1(LOXHD1):c.4240G>T (p.Asp1414Tyr)

Gene: LOXHD1 (lipoxygenase homology PLAT domains 1; minus strand). Cytogenetic location: 18q21.1.
Variant type: single nucleotide variant.
Coding change: c.4240G>T on transcript NM_001384474.1 (MANE Select); coding-DNA position 4240, G replaced by T.
Protein change: p.Asp1414Tyr; replaces aspartic acid 1414 with tyrosine.
Molecular consequence: missense variant.
Genome position (GRCh38, 1-based): chr18:46,533,297, C>A on the plus strand (G>T on the coding strand, the complement: LOXHD1 is on the minus strand). VCF-style: chr18-46533297-C-A. GRCh37 (hg19) VCF-style: chr18-44113260-C-A.
Other names: c.907G>T, p.Asp303Tyr (NM_001145472.3); c.619G>T, p.Asp207Tyr (NM_001308013.2); c.4240G>T, p.Asp1414Tyr (NM_144612.7); short protein forms D1414Y, D303Y, D207Y.
Identifiers: ClinVar variation 667255 (VCV000667255.4), dbSNP rs750155249, ClinGen allele CA402375325.